The following is an entry in ClinVar:

NM_000542.5(SFTPB):c.1058G>A (p.Gly353Asp)

Gene: SFTPB (surfactant protein B; minus strand). Cytogenetic location: 2p11.2.
Variant type: single nucleotide variant.
Coding change: c.1058G>A on transcript NM_000542.5 (MANE Select); coding-DNA position 1058, G replaced by A.
Protein change: p.Gly353Asp; replaces glycine 353 with aspartic acid.
Molecular consequence: missense variant. On other transcripts: intron variant (1).
Genome position (GRCh38, 1-based): chr2:85,662,054, C>T on the plus strand (G>A on the coding strand, the complement: SFTPB is on the minus strand). VCF-style: chr2-85662054-C-T. GRCh37 (hg19) VCF-style: chr2-85889177-C-T.
Other names: c.1058G>A, p.Gly353Asp (NM_198843.4); c.1002+1292G>A (NM_001367281.1); short protein forms G353D.
Identifiers: ClinVar variation 4772765 (VCV004772765.1).
Genomic context (GRCh38, chr2:85,662,054, plus strand): 5'-GAAGTCCTAGGACCAACTGGGAGGGGTGGGTGTACCTGGCAGGTGGTGTGGGCATCCCAG[C>T]CCCTGGGCACCAGGGTCAGCAGCTGGGGCGTGTGCTGCTCCACAAATTGCTTGCACTGAG-3'
Protein context (NP_000533.4, residues 343-363): TPQLLTLVPR[Gly353Asp]WDAHTTCQAL

ClinVar aggregate classification (germline): Uncertain significance (1 of 4 stars; one submission).

gnomAD v4.1: 7 of 1,601,494 alleles (0.00044%); highest among the groups gnomAD compares: Non-Finnish European, 0.0006%; no homozygotes.

Submission:

Labcorp Genetics (formerly Invitae), Labcorp
Classification: Uncertain significance. Last evaluated: 2025-08-15. Review status: criteria provided, single submitter. Criteria: Invitae Variant Classification Sherloc (09022015). Collection method: clinical testing. Allele origin: germline.
Comment: This sequence change replaces glycine, which is neutral and non-polar, with aspartic acid, which is acidic and polar, at codon 365 of the SFTPB protein (p.Gly365Asp). This variant is present in population databases (no rsID available, gnomAD 0.0009%). This variant has not been reported in the literature in individuals affected with SFTPB-related conditions. Invitae Evidence Modeling of protein sequence and biophysical properties (such as structural, functional, and spatial information, amino acid conservation, physicochemical variation, residue mobility, and thermodynamic stability) indicates that this missense variant is not expected to disrupt SFTPB protein function with a negative predictive value of 80%. In summary, the available evidence is currently insufficient to determine the role of this variant in disease. Therefore, it has been classified as a Variant of Uncertain Significance.